The following is an entry in ClinVar:

ClinVar aggregate classification (germline): Likely pathogenic. Review status: reviewed by expert panel (3 of 4 stars). 5 submissions from 5 submitters: Likely pathogenic (1). 4 of the submissions do not count toward it. Last evaluated 2018-12-09.

Conditions:
Phenylketonuria (PKU). Also called: Phenylketonuria (PKU); FOLLING DISEASE; OLIGOPHRENIA PHENYLPYRUVICA; Phenylketonurias. Identifiers: Orphanet 716, MedGen C0031485, MONDO:0009861, OMIM 261600. Disease mechanism: loss of function.

Submissions (5):

ClinGen PAH Variant Curation Expert Panel
Classification: Likely pathogenic for Phenylketonuria. Last evaluated: 2018-12-09. Review status: reviewed by expert panel. Criteria: ClinGen PAH ACMG Specifications v1. Collection method: curation. Allele origin: germline. Inheritance: Autosomal recessive inheritance.
Comment: The c.827T>A (p.Met276Lys) variant in PAH is absent from population databases, and found in the same codon as a previously reported pathogenic variant (p.Met276Val). It has been identified in trans with a known pathogenic variant (I95del), in which a defect of BH4 metabolism was excluded as a cause of elevated phenylalanine (PMID: 25894915).

Natera, Inc.
Classification: Pathogenic for Phenylketonuria. Last evaluated: 2026-01-25. Review status: criteria provided, single submitter. Criteria: Natera Variant Classification Schema (03/2026). Collection method: clinical testing. Allele origin: germline. Not counted in ClinVar's aggregate classification.
Comment: The c.827T>A variant in PAH is a missense variant predicted to cause substitution of methionine to lysine at amino acid 276. This variant is rare in the general population with a frequency below the threshold expected for the associated phenotype(s). This variant has been observed in one or more individuals affected with the associated recessive disease, as either homozygous or compound heterozygous with a second variant (PMID: 30050108, 29390883). A different variant at the same position has been determined to be Pathogenic or Likely Pathogenic. Given the available evidence, this variant is classified as Pathogenic.

Labcorp Genetics (formerly Invitae), Labcorp
Classification: Pathogenic for Phenylketonuria. Last evaluated: 2019-10-15. Review status: criteria provided, single submitter. Criteria: Invitae Variant Classification Sherloc (09022015). Collection method: clinical testing. Allele origin: germline. Not counted in ClinVar's aggregate classification.
Comment: This sequence change replaces methionine with lysine at codon 276 of the PAH protein (p.Met276Lys). The methionine residue is highly conserved and there is a moderate physicochemical difference between methionine and lysine. This variant is not present in population databases (ExAC no frequency). This variant has been observed in several individuals affected with phenylketonuria (PMID: 16256386, 25894915, 29176022, 30459323, 30612563). ClinVar contains an entry for this variant (Variation ID: 102857). For these reasons, this variant has been classified as Pathogenic. This variant disrupts the p.Met276 amino acid residue in PAH. Other variant(s) that disrupt this residue have been determined to be pathogenic (PMID: 16198137, 16290003). This suggests that this residue is clinically significant, and that variants that disrupt this residue are likely to be disease-causing. Algorithms developed to predict the effect of missense changes on protein structure and function are either unavailable or do not agree on the potential impact of this missense change (SIFT: "not available"; PolyPhen-2: "Benign"; Align-GVGD: "Class not available").

Juno Genomics, Hangzhou Juno Genomics, Inc
Classification: Pathogenic for Phenylketonuria. Review status: criteria provided, single submitter. Criteria: ACMG Guidelines, 2015. Collection method: clinical testing. Allele origin: germline. Affected: yes. Not counted in ClinVar's aggregate classification.
Comment: Absent from controls (or at extremely low frequency if recessive) in Genome Aggregation Database.;Novel missense change at an amino acid residue where a different missense change determined to be pathogenic has been seen before.;For recessive disorders, detected in trans with a pathogenic variant.;Patient's phenotype or family history is highly specific for a disease with a single genetic etiology.

DeBelle Laboratory for Biochemical Genetics, MUHC/MCH RESEARCH INSTITUTE
No classification provided. Review status: no classification provided. Collection method: not provided. Allele origin: not provided. Not counted in ClinVar's aggregate classification.

Literature cited by the submitters: PubMed 25894915 (cited by ClinGen PAH Variant Curation Expert Panel and Labcorp Genetics (formerly Invitae), Labcorp); PubMed 30050108 (cited by Natera, Inc.); PubMed 29390883 (cited by Natera, Inc.); PubMed 16256386 (cited by Labcorp Genetics (formerly Invitae), Labcorp); PubMed 29176022 (cited by Labcorp Genetics (formerly Invitae), Labcorp); PubMed 30459323 (cited by Labcorp Genetics (formerly Invitae), Labcorp); PubMed 30612563 (cited by Labcorp Genetics (formerly Invitae), Labcorp); PubMed 16198137 (cited by Labcorp Genetics (formerly Invitae), Labcorp); PubMed 16290003 (cited by Labcorp Genetics (formerly Invitae), Labcorp).

NM_000277.3(PAH):c.827T>A (p.Met276Lys)

Gene: PAH (phenylalanine hydroxylase; minus strand). Cytogenetic location: 12q23.2.
Variant type: single nucleotide variant.
Coding change: c.827T>A on transcript NM_000277.3 (MANE Select); coding-DNA position 827, T replaced by A.
Protein change: p.Met276Lys; replaces methionine 276 with lysine.
Molecular consequence: missense variant.
Genome position (GRCh38, 1-based): chr12:102,852,830, A>T on the plus strand (T>A on the coding strand, the complement: PAH is on the minus strand). VCF-style: chr12-102852830-A-T. GRCh37 (hg19) VCF-style: chr12-103246608-A-T.
Other names: NM_000277.2(PAH):c.827T>A; c.827T>A (NM_000277.2); c.827T>A, p.Met276Lys (NM_001354304.2); short protein forms M276K.
Identifiers: ClinVar variation 102857 (VCV000102857.12), dbSNP rs62508722, ClinGen allele CA229795.